The following is an entry in ClinVar:

ClinVar aggregate classification (germline): Uncertain significance. Review status: criteria provided, multiple submitters, no conflicts (2 of 4 stars). 2 submissions from 2 submitters: Uncertain significance (2). Last evaluated 2024-09-18.

Conditions:
Hereditary cancer-predisposing syndrome. Also called: Neoplastic Syndromes, Hereditary; Tumor predisposition; Hereditary Cancer Syndrome; Hereditary neoplastic syndrome. Identifiers: Orphanet 140162, MedGen C0027672, MeSH D009386, MONDO:0015356.

Submissions (2):

Ambry Genetics
Classification: Uncertain significance for Hereditary cancer-predisposing syndrome. Last evaluated: 2024-09-18. Review status: criteria provided, single submitter. Criteria: Ambry Variant Classification Scheme 2023. Collection method: clinical testing. Allele origin: germline.
Comment: The p.S1180T variant (also known as c.3539G>C), located in coding exon 15 of the APC gene, results from a G to C substitution at nucleotide position 3539. The serine at codon 1180 is replaced by threonine, an amino acid with similar properties. This amino acid position is conserved. In addition, in silico predictors for this gene do not accurately predict pathogenicity. Based on the available evidence, the clinical significance of this variant remains unclear.

GeneDx
Classification: Uncertain significance. Last evaluated: 2022-05-31. Review status: criteria provided, single submitter. Criteria: GeneDx Variant Classification Process June 2021. Collection method: clinical testing. Allele origin: germline. Affected: yes.
Comment: Not observed at significant frequency in large population cohorts (gnomAD); In silico analysis supports that this missense variant does not alter protein structure/function; Has not been previously published as pathogenic or benign to our knowledge

NM_000038.6(APC):c.3539G>C (p.Ser1180Thr)

Gene: APC (APC regulator of Wnt signaling pathway; plus strand). Cytogenetic location: 5q22.2.
Variant type: single nucleotide variant.
Coding change: c.3539G>C on transcript NM_000038.6 (MANE Select); coding-DNA position 3539, G replaced by C.
Protein change: p.Ser1180Thr; replaces serine 1180 with threonine.
Molecular consequence: missense variant.
Genome position (GRCh38, 1-based): chr5:112,839,133, G>C. VCF-style: chr5-112839133-G-C. GRCh37 (hg19) VCF-style: chr5-112174830-G-C.
Other names: c.3539G>C, p.Ser1180Thr (NM_001127510.3, NM_001354895.2, NM_001407450.1); c.3485G>C, p.Ser1162Thr (NM_001127511.3); c.3593G>C, p.Ser1198Thr (NM_001354896.2, NM_001407447.1, NM_001407448.1 and 1 more transcripts); c.3569G>C, p.Ser1190Thr (NM_001354897.2); c.3464G>C, p.Ser1155Thr (NM_001354898.2); c.3455G>C, p.Ser1152Thr (NM_001354899.2); c.3416G>C, p.Ser1139Thr (NM_001354900.2); c.3362G>C, p.Ser1121Thr (NM_001354901.2, NM_001407453.1); and 11 more; short protein forms S1020T, S1051T, S1054T, S1079T, S1089T, S1097T, S1121T, S1139T.
Identifiers: ClinVar variation 1802017 (VCV001802017.2), dbSNP rs1580636760, ClinGen allele CA16029108.